The following is an entry in ClinVar:

ClinVar aggregate classification (germline): Pathogenic/Likely pathogenic. Review status: criteria provided, multiple submitters, no conflicts (2 of 4 stars). 2 submissions from 2 submitters: Pathogenic (1); Likely pathogenic (1). Last evaluated 2024-03-06.

Conditions:
Familial benign pemphigus (HHD). Identifiers: Orphanet 2841, MedGen C0085106, MONDO:0008218, OMIM 169600.

Submissions (2):

Fulgent Genetics
Classification: Likely pathogenic for Familial benign pemphigus. Last evaluated: 2024-03-06. Review status: criteria provided, single submitter. Criteria: ACMG Guidelines, 2015. Collection method: clinical testing. Allele origin: germline.

Labcorp Genetics (formerly Invitae), Labcorp
Classification: Pathogenic. Last evaluated: 2022-02-17. Review status: criteria provided, single submitter. Criteria: Invitae Variant Classification Sherloc (09022015). Collection method: clinical testing. Allele origin: germline.
Comment: For these reasons, this variant has been classified as Pathogenic. This variant has not been reported in the literature in individuals affected with ATP2C1-related conditions. This variant is not present in population databases (gnomAD no frequency). This sequence change creates a premature translational stop signal (p.Tyr452*) in the ATP2C1 gene. It is expected to result in an absent or disrupted protein product. Loss-of-function variants in ATP2C1 are known to be pathogenic (PMID: 10615129, 10767338, 11841554).

Literature cited by the submitters: PubMed 10615129 (cited by Labcorp Genetics (formerly Invitae), Labcorp); PubMed 10767338 (cited by Labcorp Genetics (formerly Invitae), Labcorp); PubMed 11841554 (cited by Labcorp Genetics (formerly Invitae), Labcorp).

NM_001378687.1(ATP2C1):c.1356C>A (p.Tyr452Ter)

Gene: ATP2C1 (ATPase secretory pathway Ca2+ transporting 1; plus strand). Cytogenetic location: 3q22.1.
Variant type: single nucleotide variant.
Coding change: c.1356C>A on transcript NM_001378687.1 (MANE Select); coding-DNA position 1356, C replaced by A.
Protein change: p.Tyr452Ter; replaces tyrosine 452 with a stop codon.
Molecular consequence: nonsense.
Genome position (GRCh38, 1-based): chr3:130,969,339, C>A. VCF-style: chr3-130969339-C-A. GRCh37 (hg19) VCF-style: chr3-130688183-C-A.
Other names: c.1356C>A, p.Tyr452Ter (NM_001001485.3, NM_001001486.2, NM_001001487.2 and 5 more transcripts); c.1458C>A, p.Tyr486Ter (NM_001199180.2, NM_001199181.3, NM_001378511.1); c.1341C>A, p.Tyr447Ter (NM_001199182.2); c.1308C>A, p.Tyr436Ter (NM_001199183.2, NM_001199184.3, NM_001378514.1); c.1356C>A (NM_014382.4); short protein forms Y447*, Y436*, Y452*, Y486*.
Identifiers: ClinVar variation 2097916 (VCV002097916.5), dbSNP rs2531133399, ClinGen allele CA354540204.